The following is an entry in ClinVar:

ClinVar aggregate classification (germline): Benign/Likely benign. Review status: criteria provided, multiple submitters, no conflicts (2 of 4 stars). 13 submissions from 13 submitters: Benign (8); Likely benign (1). 4 of the submissions do not count toward it. Last evaluated 2026-09-01.

Conditions:
Hypertrophic cardiomyopathy 26. Also called: Cardiomyopathy, familial hypertrophic, 26. Identifiers: Orphanet 75249, MedGen C4310749, MONDO:0014883, OMIM 617047.
Distal myopathy with posterior leg and anterior hand involvement. Also called: WILLIAMS DISTAL MYOPATHY. Identifiers: Orphanet 63273, MedGen C3279722, MONDO:0013550, OMIM 614065.
Myofibrillar myopathy 5. Also called: Filaminopathy (type); FILAMINOPATHY, AUTOSOMAL DOMINANT. Identifiers: Orphanet 171445, MedGen C1836050, MONDO:0012289, OMIM 609524.

Allele frequency attached by ClinVar (database versions not stated): 1000 Genomes Project 0.00339; 1000 Genomes Project 30x 0.00375; TOPMed 0.00744; gnomAD 0.00821 and 0.00843; ESP Exome Variant Server 0.00834; gnomAD exomes 0.01017 and 0.01118; ExAC 0.01149.
gnomAD v4.1: 17,441 of 1,612,962 alleles (1.1%); highest among the groups gnomAD compares: Non-Finnish European, 1.2%; 126 homozygotes.

Submissions (13):

CeGaT Center for Human Genetics Tuebingen
Classification: Benign. Last evaluated: 2026-09-01. Review status: criteria provided, single submitter. Criteria: CeGaT Center For Human Genetics Tuebingen Variant Classification Criteria Version 2. Collection method: clinical testing. Allele origin: germline. Affected: yes. Observed: 114 variant alleles.
Comment: FLNC: BS1, BS2

Labcorp Genetics (formerly Invitae), Labcorp
Classification: Benign for Distal myopathy with posterior leg and anterior hand involvement; Myofibrillar myopathy 5; Hypertrophic cardiomyopathy 26. Last evaluated: 2026-02-04. Review status: criteria provided, single submitter. Criteria: Invitae Variant Classification Sherloc (09022015). Collection method: clinical testing. Allele origin: germline.

ARUP Laboratories, Molecular Genetics and Genomics, ARUP Laboratories
Classification: Benign. Last evaluated: 2025-01-27. Review status: criteria provided, single submitter. Criteria: ARUP Molecular Germline Variant Investigation Process 2024. Collection method: clinical testing. Allele origin: germline.

Blueprint Genetics
Classification: Likely benign. Last evaluated: 2024-11-26. Review status: criteria provided, single submitter. Criteria: ACMG Guidelines, 2015. Collection method: clinical testing. Allele origin: germline.

Women's Health and Genetics/Laboratory Corporation of America, LabCorp
Classification: Benign. Last evaluated: 2023-08-19. Review status: criteria provided, single submitter. Criteria: LabCorp Variant Classification Summary - May 2015. Collection method: clinical testing. Allele origin: germline.

Fulgent Genetics
Classification: Benign for Myofibrillar myopathy 5; Distal myopathy with posterior leg and anterior hand involvement; Hypertrophic cardiomyopathy 26. Last evaluated: 2021-09-22. Review status: criteria provided, single submitter. Criteria: ACMG Guidelines, 2015. Collection method: clinical testing. Allele origin: unknown.

GeneDx
Classification: Benign. Last evaluated: 2016-02-23. Review status: criteria provided, single submitter. Criteria: GeneDx Variant Classification (06012015). Collection method: clinical testing. Allele origin: germline. Affected: yes.
Comment: This variant is considered likely benign or benign based on one or more of the following criteria: it is a conservative change, it occurs at a poorly conserved position in the protein, it is predicted to be benign by multiple in silico algorithms, and/or has population frequency not consistent with disease.

Breakthrough Genomics
Classification: Benign. Review status: criteria provided, single submitter. Criteria: ACMG Guidelines, 2015. Collection method: not provided. Allele origin: germline. Inheritance: Autosomal dominant inheritance. Affected: yes.

PreventionGenetics, part of Exact Sciences
Classification: Benign. Review status: criteria provided, single submitter. Criteria: ACMG Guidelines, 2015. Collection method: clinical testing. Allele origin: germline.

Clinical Genetics, Academic Medical Center
Classification: Benign. Review status: no assertion criteria provided. Collection method: clinical testing. Allele origin: germline. Affected: yes. Study: VKGL Data-share Consensus. Not counted in ClinVar's aggregate classification.

Genome Diagnostics Laboratory, University Medical Center Utrecht
Classification: Benign. Review status: no assertion criteria provided. Collection method: clinical testing. Allele origin: germline. Affected: yes. Study: VKGL Data-share Consensus. Not counted in ClinVar's aggregate classification.

Joint Genome Diagnostic Labs from Nijmegen and Maastricht, Radboudumc and MUMC+
Classification: Benign. Review status: no assertion criteria provided. Collection method: clinical testing. Allele origin: germline. Affected: yes. Study: VKGL Data-share Consensus. Not counted in ClinVar's aggregate classification.

Laboratory of Diagnostic Genome Analysis, Leiden University Medical Center (LUMC)
Classification: Likely benign. Review status: no assertion criteria provided. Collection method: clinical testing. Allele origin: germline. Affected: yes. Study: VKGL Data-share Consensus. Not counted in ClinVar's aggregate classification.

NM_001458.5(FLNC):c.2390-14C>T

Gene: FLNC (filamin C; plus strand). Cytogenetic location: 7q32.1.
Variant type: single nucleotide variant.
Coding change: c.2390-14C>T on transcript NM_001458.5 (MANE Select); 14 bases into the intron before coding-DNA position 2390, C replaced by T.
Molecular consequence: intron variant.
Genome position (GRCh38, 1-based): chr7:128,842,780, C>T. VCF-style: chr7-128842780-C-T. GRCh37 (hg19) VCF-style: chr7-128482834-C-T.
Other names: c.2390-14C>T (NM_001127487.2).
Identifiers: ClinVar variation 258137 (VCV000258137.53), dbSNP rs71581921, ClinGen allele CA4474714.